The following is an entry in ClinVar:

NM_000719.7(CACNA1C):c.1694C>T (p.Ala565Val)

Gene: CACNA1C (calcium voltage-gated channel subunit alpha1 C; plus strand). Cytogenetic location: 12p13.33.
Variant type: single nucleotide variant.
Coding change: c.1694C>T on transcript NM_000719.7 (MANE Select); coding-DNA position 1694, C replaced by T.
Protein change: p.Ala565Val; replaces alanine 565 with valine.
Molecular consequence: missense variant.
Genome position (GRCh38, 1-based): chr12:2,567,593, C>T. VCF-style: chr12-2567593-C-T. GRCh37 (hg19) VCF-style: chr12-2676759-C-T.
Other names: c.1694C>T, p.Ala565Val (NM_001129827.2, NM_001129829.2, NM_001129830.3 and 18 more transcripts); c.1685C>T, p.Ala562Val (NM_001129844.2); short protein forms A562V, A565V.
Identifiers: ClinVar variation 2566927 (VCV002566927.2), dbSNP rs2512915604, ClinGen allele CA383368803.
Genomic context (GRCh38, chr12:2,567,593, plus strand): 5'-CCTGCTCGGATCTCATCCCTCTCCTGGGCCTGCCAGACACGGCAAACAAGGCCCTGCTGG[C>T]CCTGTTCACGGCAGAGATGCTCCTGAAGATGTACAGCCTGGGCCTGCAGGCCTACTTCGT-3'
Protein context (NP_000710.5, residues 555-575): VQDTANKALL[Ala565Val]LFTAEMLLKM

ClinVar aggregate classification (germline): Uncertain significance (1 of 4 stars; one submission).

Conditions:
Cardiovascular phenotype. Identifiers: MedGen CN230736.

Submission:

Ambry Genetics
Classification: Uncertain significance for Cardiovascular phenotype. Last evaluated: 2023-05-04. Review status: criteria provided, single submitter. Criteria: Ambry Variant Classification Scheme 2023. Collection method: clinical testing. Allele origin: germline.
Comment: The p.A565V variant (also known as c.1694C>T), located in coding exon 13 of the CACNA1C gene, results from a C to T substitution at nucleotide position 1694. The alanine at codon 565 is replaced by valine, an amino acid with similar properties. This amino acid position is highly conserved in available vertebrate species. In addition, this alteration is predicted to be deleterious by in silico analysis. Since supporting evidence is limited at this time, the clinical significance of this alteration remains unclear.